The following is an entry in ClinVar:

NM_007194.4(CHEK2):c.225T>C (p.Pro75=)

Gene: CHEK2 (checkpoint kinase 2; minus strand). Cytogenetic location: 22q12.1.
Variant type: single nucleotide variant.
Coding change: c.225T>C on transcript NM_007194.4 (MANE Select); coding-DNA position 225, T replaced by C.
Protein change: p.Pro75=; no amino-acid change (proline 75 retained).
Molecular consequence: synonymous variant.
Genome position (GRCh38, 1-based): chr22:28,734,497, A>G on the plus strand (T>C on the coding strand, the complement: CHEK2 is on the minus strand). VCF-style: chr22-28734497-A-G. GRCh37 (hg19) VCF-style: chr22-29130485-A-G.
Other names: c.225T>C, p.Pro75= (NM_001005735.3, NM_001349956.3, NM_145862.3); c.-553T>C (NM_001257387.3).
Identifiers: ClinVar variation 1788611 (VCV001788611.6), dbSNP rs1217608176, ClinGen allele CA513946464.

ClinVar aggregate classification (germline): Benign/Likely benign. Review status: criteria provided, multiple submitters, no conflicts (2 of 4 stars). 3 submissions from 3 submitters: Benign (1); Likely benign (2). Last evaluated 2024-10-01.

Conditions:
Hereditary cancer-predisposing syndrome. Also called: Hereditary Cancer Syndrome; Hereditary neoplastic syndrome; Tumor predisposition; Neoplastic Syndromes, Hereditary. Identifiers: Orphanet 140162, MedGen C0027672, MeSH D009386, MONDO:0015356.
Familial cancer of breast. Also called: BREAST CANCER, FAMILIAL; Hereditary breast cancer; hereditary breast carcinoma. Identifiers: Orphanet 227535, MedGen C0346153, MONDO:0016419, OMIM 114480. Disease mechanism: loss of function.

Submissions (3):

Myriad Genetics, Inc.
Classification: Benign for Familial cancer of breast. Last evaluated: 2024-10-01. Review status: criteria provided, single submitter. Criteria: Myriad Autosomal Dominant, Autosomal Recessive and X-Linked Classification Criteria (2023). Collection method: clinical testing. Allele origin: unknown.
Comment: This variant is considered benign. This variant is a silent/synonymous amino acid change and it is not expected to impact splicing.

Labcorp Genetics (formerly Invitae), Labcorp
Classification: Likely benign for Familial cancer of breast. Last evaluated: 2022-12-08. Review status: criteria provided, single submitter. Criteria: Invitae Variant Classification Sherloc (09022015). Collection method: clinical testing. Allele origin: germline.

Ambry Genetics
Classification: Likely benign for Hereditary cancer-predisposing syndrome. Last evaluated: 2019-06-13. Review status: criteria provided, single submitter. Criteria: Ambry Variant Classification Scheme 2023. Collection method: clinical testing. Allele origin: germline.